The following is an entry in ClinVar:

NM_000051.4(ATM):c.4796C>T (p.Ser1599Leu)

Gene: ATM (ATM serine/threonine kinase; plus strand). Cytogenetic location: 11q22.3.
Variant type: single nucleotide variant.
Coding change: c.4796C>T on transcript NM_000051.4 (MANE Select); coding-DNA position 4796, C replaced by T.
Protein change: p.Ser1599Leu; replaces serine 1599 with leucine.
Molecular consequence: missense variant.
Genome position (GRCh38, 1-based): chr11:108,294,946, C>T. VCF-style: chr11-108294946-C-T. GRCh37 (hg19) VCF-style: chr11-108165673-C-T.
Other names: c.4796C>T, p.Ser1599Leu (NM_001351834.2); short protein forms S1599L.
Identifiers: ClinVar variation 1743135 (VCV001743135.3), dbSNP rs1591684337, ClinGen allele CA382536362.
Genomic context (GRCh38, chr11:108,294,946, plus strand): 5'-AACCAATACGTGTTAAAAGCAAGTTACATTTTCTCTTTTAGGAAATTAACCATTTTCTCT[C>T]AGTAAGTGTTTATGATGCACTTCCATTGACAAGACTTGAAGGACTAAAGGATCTTCGAAG-3'
Protein context (NP_000042.3, residues 1589-1609): SLLEEINHFL[Ser1599Leu]VSVYDALPLT

ClinVar aggregate classification (germline): Uncertain significance (1 of 4 stars; one submission).

Conditions:
Hereditary cancer-predisposing syndrome. Also called: Hereditary Cancer Syndrome; Neoplastic Syndromes, Hereditary; Tumor predisposition; Hereditary neoplastic syndrome. Identifiers: Orphanet 140162, MedGen C0027672, MeSH D009386, MONDO:0015356.

Submission:

Ambry Genetics
Classification: Uncertain significance for Hereditary cancer-predisposing syndrome. Last evaluated: 2025-05-16. Review status: criteria provided, single submitter. Criteria: Ambry Variant Classification Scheme 2023. Collection method: clinical testing. Allele origin: germline.
Comment: The p.S1599L variant (also known as c.4796C>T), located in coding exon 31 of the ATM gene, results from a C to T substitution at nucleotide position 4796. The serine at codon 1599 is replaced by leucine, an amino acid with dissimilar properties. This amino acid position is highly conserved in available vertebrate species. In addition, this alteration is predicted to be deleterious by in silico analysis. Since supporting evidence is limited at this time, the clinical significance of this alteration remains unclear.